The following is an entry in ClinVar:

ClinVar aggregate classification (germline): Uncertain significance (1 of 4 stars; one submission).

Conditions:
Encephalopathy, acute, infection-induced (herpes-specific), susceptibility to, 1. Also called: Herpes simplex encephalitis, susceptibility to, 1. Identifiers: Orphanet 1930, MedGen C2750180, MONDO:0024563, OMIM 610551.

gnomAD v4.1: 2 of 1,614,052 alleles (0.00012%); highest among the groups gnomAD compares: Non-Finnish European, 0.00017%; no homozygotes.

Submission:

Labcorp Genetics (formerly Invitae), Labcorp
Classification: Uncertain significance for Encephalopathy, acute, infection-induced (herpes-specific), susceptibility to, 1. Last evaluated: 2023-04-23. Review status: criteria provided, single submitter. Criteria: Invitae Variant Classification Sherloc (09022015). Collection method: clinical testing. Allele origin: germline.
Comment: This variant has not been reported in the literature in individuals affected with TLR3-related conditions. ClinVar contains an entry for this variant (Variation ID: 1953905). Algorithms developed to predict the effect of missense changes on protein structure and function output the following: SIFT: "Not Available"; PolyPhen-2: "Benign"; Align-GVGD: "Not Available". The leucine amino acid residue is found in multiple mammalian species, which suggests that this missense change does not adversely affect protein function. In summary, the available evidence is currently insufficient to determine the role of this variant in disease. Therefore, it has been classified as a Variant of Uncertain Significance. This variant is present in population databases (no rsID available, gnomAD 0.0009%). This sequence change replaces serine, which is neutral and polar, with leucine, which is neutral and non-polar, at codon 342 of the TLR3 protein (p.Ser342Leu).

NM_003265.3(TLR3):c.1025C>T (p.Ser342Leu)

Gene: TLR3 (toll like receptor 3; plus strand). Cytogenetic location: 4q35.1.
Variant type: single nucleotide variant.
Coding change: c.1025C>T on transcript NM_003265.3 (MANE Select); coding-DNA position 1025, C replaced by T.
Protein change: p.Ser342Leu; replaces serine 342 with leucine.
Molecular consequence: missense variant.
Genome position (GRCh38, 1-based): chr4:186,082,711, C>T. VCF-style: chr4-186082711-C-T. GRCh37 (hg19) VCF-style: chr4-187003865-C-T.
Other names: short protein forms S342L.
Identifiers: ClinVar variation 1953905 (VCV001953905.5), dbSNP rs1276480303, ClinGen allele CA358930684.